The following is an entry in ClinVar:

NM_017986.4(SLC52A1):c.524C>T (p.Ala175Val)

Gene: SLC52A1 (solute carrier family 52 member 1; minus strand). Cytogenetic location: 17p13.2.
Variant type: single nucleotide variant.
Coding change: c.524C>T on transcript NM_017986.4 (MANE Select); coding-DNA position 524, C replaced by T.
Protein change: p.Ala175Val; replaces alanine 175 with valine.
Molecular consequence: missense variant.
Genome position (GRCh38, 1-based): chr17:5,033,965, G>A on the plus strand (C>T on the coding strand, the complement: SLC52A1 is on the minus strand). VCF-style: chr17-5033965-G-A. GRCh37 (hg19) VCF-style: chr17-4937260-G-A.
Other names: c.524C>T, p.Ala175Val (NM_001104577.2); c.524C>T (NM_001104577.1); short protein forms A175V.
Identifiers: ClinVar variation 1350651 (VCV001350651.7), dbSNP rs757695687, ClinGen allele CA8319773.

ClinVar aggregate classification (germline): Uncertain significance. Review status: criteria provided, multiple submitters, no conflicts (2 of 4 stars). 2 submissions from 2 submitters: Uncertain significance (2). Last evaluated 2024-11-24.

Conditions:
Vitamin B2 deficiency. Identifiers: MedGen C0035528.

Allele frequency attached by ClinVar (database versions not stated): gnomAD 0.00001; gnomAD exomes 0.00005; TOPMed 0.00005; ExAC 0.00008.

Submissions (2):

Ambry Genetics
Classification: Uncertain significance. Last evaluated: 2024-11-24. Review status: criteria provided, single submitter. Criteria: Ambry Variant Classification Scheme 2023. Collection method: clinical testing. Allele origin: germline.

Labcorp Genetics (formerly Invitae), Labcorp
Classification: Uncertain significance for Vitamin B2 deficiency. Last evaluated: 2024-02-11. Review status: criteria provided, single submitter. Criteria: Invitae Variant Classification Sherloc (09022015). Collection method: clinical testing. Allele origin: germline.
Comment: This sequence change replaces alanine, which is neutral and non-polar, with valine, which is neutral and non-polar, at codon 175 of the SLC52A1 protein (p.Ala175Val). This variant is present in population databases (rs757695687, gnomAD 0.02%). This variant has not been reported in the literature in individuals affected with SLC52A1-related conditions. ClinVar contains an entry for this variant (Variation ID: 1350651). An algorithm developed to predict the effect of missense changes on protein structure and function (PolyPhen-2) suggests that this variant is likely to be tolerated. In summary, the available evidence is currently insufficient to determine the role of this variant in disease. Therefore, it has been classified as a Variant of Uncertain Significance.